The following is an entry in ClinVar:

ClinVar aggregate classification (germline): Uncertain significance (1 of 4 stars; one submission).

gnomAD v4.1: 1 of 1,614,124 alleles (0.000062%); highest among the groups gnomAD compares: Non-Finnish European, 0.000085%; no homozygotes.

Submission:

GeneDx
Classification: Uncertain significance. Last evaluated: 2024-09-23. Review status: criteria provided, single submitter. Criteria: GeneDx Variant Classification Process June 2021. Collection method: clinical testing. Allele origin: germline. Affected: yes.
Comment: Not observed at significant frequency in large population cohorts (gnomAD); In silico analysis indicates that this missense variant does not alter protein structure/function; Has not been previously published as pathogenic or benign to our knowledge

NM_006245.4(PPP2R5D):c.1722G>C (p.Glu574Asp)

Genes: MEA1 (male-enhanced antigen 1; minus strand), PPP2R5D (protein phosphatase 2 regulatory subunit B'delta; plus strand). Cytogenetic location: 6p21.1.
Variant type: single nucleotide variant.
Coding change: c.1722G>C on transcript NM_006245.4 (MANE Select); coding-DNA position 1722, G replaced by C.
Protein change: p.Glu574Asp; replaces glutamic acid 574 with aspartic acid.
Molecular consequence: missense variant. On other transcripts: 3 prime UTR variant (1).
Genome position (GRCh38, 1-based): chr6:43,011,199, G>C. VCF-style: chr6-43011199-G-C. GRCh37 (hg19) VCF-style: chr6-42978937-G-C.
Other names: c.*1271C>G (NM_014623.4); c.1269G>C, p.Glu423Asp (NM_001270476.2); c.1626G>C, p.Glu542Asp (NM_180976.3); c.1404G>C, p.Glu468Asp (NM_180977.3); short protein forms E423D, E468D, E542D, E574D.
Identifiers: ClinVar variation 3773963 (VCV003773963.1).
Genomic context (GRCh38, chr6:43,011,199, plus strand): 5'-TCACACACAGATGCTAAAAGACATCAAGAAGGAGAAAGTGCTGCTGCGGAGGAAGTCGGA[G>C]CTGCCCCAGGACGTGTACACCATCAAGGCACTGGAGGCGCACAAGCGGGCGGAAGAGTTC-3'
Protein context (NP_006236.1, residues 564-584): KEKVLLRRKS[Glu574Asp]LPQDVYTIKA